The following is an entry in ClinVar:

ClinVar aggregate classification (germline): Uncertain significance (1 of 4 stars; one submission).

Conditions:
Infantile-onset ascending hereditary spastic paralysis (IAHSP). Also called: Autosomal Recessive Juvenile Amyotrophic Lateral Sclerosis; Infantile-Onset Ascending Hereditary Spastic Paralysis (IAHSP). Identifiers: Orphanet 293168, MedGen C2931441, MONDO:0011797, OMIM 607225. Disease mechanism: loss of function.

Allele frequency attached by ClinVar (database versions not stated): gnomAD exomes below 0.00001 and 0.00001; ExAC 0.00002.
gnomAD v4.1: 2 of 1,614,226 alleles (0.00012%); highest among the groups gnomAD compares: Admixed American, 0.0017%; no homozygotes.

Submission:

Labcorp Genetics (formerly Invitae), Labcorp
Classification: Uncertain significance for Infantile-onset ascending hereditary spastic paralysis. Last evaluated: 2017-02-15. Review status: criteria provided, single submitter. Criteria: Invitae Variant Classification Sherloc (09022015). Collection method: clinical testing. Allele origin: germline.
Comment: This variant is present in population databases (rs753947052, ExAC 0.009%) but has not been reported in the literature in individuals with a ALS2-related disease. Algorithms developed to predict the effect of missense changes on protein structure and function (SIFT, PolyPhen-2, Align-GVGD) all suggest that this variant is likely to be tolerated, but these predictions have not been confirmed by published functional studies. In summary, this variant is a rare missense change that is not predicted to affect protein function. There is no indication that it causes disease, but the available evidence is currently insufficient to prove that conclusively. Therefore, it has been classified as a Variant of Uncertain Significance. This sequence change replaces lysine with glutamic acid at codon 657 of the ALS2 protein (p.Lys657Glu). The lysine residue is weakly conserved and there is a small physicochemical difference between lysine and glutamic acid.

NM_020919.4(ALS2):c.1969A>G (p.Lys657Glu)

Gene: ALS2 (alsin Rho guanine nucleotide exchange factor ALS2; minus strand). Cytogenetic location: 2q33.1.
Variant type: single nucleotide variant.
Coding change: c.1969A>G on transcript NM_020919.4 (MANE Select); coding-DNA position 1969, A replaced by G.
Protein change: p.Lys657Glu; replaces lysine 657 with glutamic acid.
Molecular consequence: missense variant.
Genome position (GRCh38, 1-based): chr2:201,746,595, T>C on the plus strand (A>G on the coding strand, the complement: ALS2 is on the minus strand). VCF-style: chr2-201746595-T-C. GRCh37 (hg19) VCF-style: chr2-202611318-T-C.
Other names: short protein forms K657E.
Identifiers: ClinVar variation 465184 (VCV000465184.8), dbSNP rs753947052, ClinGen allele CA2058316.